The following is an entry in ClinVar:

ClinVar aggregate classification (germline): Likely benign. Review status: criteria provided, multiple submitters, no conflicts (2 of 4 stars). 3 submissions from 3 submitters: Likely benign (3). Last evaluated 2026-01-01.

Conditions:
Leukodystrophy, hypomyelinating, 6. Also called: LEUKODYSTROPHY, HYPOMYELINATING, WITH ATROPHY OF THE BASAL GANGLIA AND CEREBELLUM; TUBB4A-Associated Leukodystrophy; Hypomyelination with Atrophy of Basal Ganglia and Cerebellum (H-ABC). Identifiers: Orphanet 139441, MedGen C2676244, MONDO:0012905, OMIM 612438.

Allele frequency attached by ClinVar (database versions not stated): gnomAD 0.00001; TOPMed 0.00001.

Submissions (3):

Labcorp Genetics (formerly Invitae), Labcorp
Classification: Likely benign for Leukodystrophy, hypomyelinating, 6. Last evaluated: 2026-01-01. Review status: criteria provided, single submitter. Criteria: Invitae Variant Classification Sherloc (09022015). Collection method: clinical testing. Allele origin: germline.

Blueprint Genetics
Classification: Likely benign. Last evaluated: 2024-05-14. Review status: criteria provided, single submitter. Criteria: ACMG Guidelines, 2015. Collection method: clinical testing. Allele origin: germline.

CeGaT Center for Human Genetics Tuebingen
Classification: Likely benign. Last evaluated: 2023-05-01. Review status: criteria provided, single submitter. Criteria: CeGaT Center For Human Genetics Tuebingen Variant Classification Criteria Version 2. Collection method: clinical testing. Allele origin: germline. Affected: yes. Observed: 1 variant allele.
Comment: TUBB4A: BP4, BP7

NM_006087.4(TUBB4A):c.291C>T (p.Ala97=)

Gene: TUBB4A (tubulin beta 4A class IVa; minus strand). Cytogenetic location: 19p13.3.
Variant type: single nucleotide variant.
Coding change: c.291C>T on transcript NM_006087.4 (MANE Select); coding-DNA position 291, C replaced by T.
Protein change: p.Ala97=; no amino-acid change (alanine 97 retained).
Molecular consequence: synonymous variant.
Genome position (GRCh38, 1-based): chr19:6,496,208, G>A on the plus strand (C>T on the coding strand, the complement: TUBB4A is on the minus strand). VCF-style: chr19-6496208-G-A. GRCh37 (hg19) VCF-style: chr19-6496219-G-A.
Other names: c.291C>T, p.Ala97= (NM_001289129.2); c.75C>T, p.Ala25= (NM_001289130.2, NM_001289131.2); c.444C>T, p.Ala148= (NM_001289123.2); c.426C>T, p.Ala142= (NM_001289127.2).
Identifiers: ClinVar variation 2649139 (VCV002649139.26), dbSNP rs1280567008, ClinGen allele CA403592978.